The following is an entry in ClinVar:

ClinVar aggregate classification (germline): Uncertain significance (1 of 4 stars; one submission).

Submission:

Ambry Genetics
Classification: Uncertain significance. Last evaluated: 2024-09-22. Review status: criteria provided, single submitter. Criteria: Ambry Variant Classification Scheme 2023. Collection method: clinical testing. Allele origin: germline.
Comment: The p.V1416L variant (also known as c.4246G>T), located in coding exon 18 of the NPAT gene, results from a G to T substitution at nucleotide position 4246. The valine at codon 1416 is replaced by leucine, an amino acid with highly similar properties. This amino acid position is conserved. In addition, the in silico prediction for this alteration is inconclusive. Based on the available evidence, the clinical significance of this variant remains unclear.

NM_002519.3(NPAT):c.4246G>T (p.Val1416Leu)

Gene: NPAT (nuclear protein, coactivator of histone transcription; minus strand). Cytogenetic location: 11q22.3.
Variant type: single nucleotide variant.
Coding change: c.4246G>T on transcript NM_002519.3 (MANE Select); coding-DNA position 4246, G replaced by T.
Protein change: p.Val1416Leu; replaces valine 1416 with leucine.
Molecular consequence: missense variant.
Genome position (GRCh38, 1-based): chr11:108,158,980, C>A on the plus strand (G>T on the coding strand, the complement: NPAT is on the minus strand). VCF-style: chr11-108158980-C-A. GRCh37 (hg19) VCF-style: chr11-108029707-C-A.
Other names: c.4267G>T, p.Val1423Leu (NM_001321307.1); short protein forms V1423L, V1416L.
Identifiers: ClinVar variation 3407226 (VCV003407226.1).